The following is an entry in ClinVar:

ClinVar aggregate classification (germline): Conflicting classifications of pathogenicity. Review status: criteria provided, conflicting classifications (1 of 4 stars). 2 submissions from 2 submitters: Uncertain significance (1); Likely benign (1). Last evaluated 2023-03-23.

Conditions:
Hereditary cancer-predisposing syndrome. Also called: Hereditary Cancer Syndrome; Hereditary neoplastic syndrome; Neoplastic Syndromes, Hereditary; Tumor predisposition. Identifiers: Orphanet 140162, MedGen C0027672, MeSH D009386, MONDO:0015356.

Submissions (2):

University of Washington Department of Laboratory Medicine, University of Washington
Classification: Likely benign for Hereditary cancer-predisposing syndrome. Last evaluated: 2023-03-23. Review status: criteria provided, single submitter. Criteria: Dines et al. (Genet Med. 2020). Collection method: curation. Allele origin: germline.
Comment: Missense variant in a coldspot region where missense variants are very unlikely to be pathogenic (PMID:31911673).

BRCA2 exon 10 coldspot. Reclassification based on statistical prior probability.

Ambry Genetics
Classification: Uncertain significance for Hereditary cancer-predisposing syndrome. Last evaluated: 2020-09-16. Review status: criteria provided, single submitter. Criteria: Ambry Variant Classification Scheme 2023. Collection method: clinical testing. Allele origin: germline.
Comment: The p.K426N variant (also known as c.1278A>C), located in coding exon 9 of the BRCA2 gene, results from an A to C substitution at nucleotide position 1278. The lysine at codon 426 is replaced by asparagine, an amino acid with similar properties. This amino acid position is not well conserved in available vertebrate species. In addition, this alteration is predicted to be tolerated by in silico analysis. Since supporting evidence is limited at this time, the clinical significance of this alteration remains unclear.

Literature cited by the submitters: PubMed 29884841 (cited by Ambry Genetics).

NM_000059.4(BRCA2):c.1278A>C (p.Lys426Asn)

Gene: BRCA2 (BRCA2 DNA repair associated; plus strand). Cytogenetic location: 13q13.1.
Variant type: single nucleotide variant.
Coding change: c.1278A>C on transcript NM_000059.4 (MANE Select); coding-DNA position 1278, A replaced by C.
Protein change: p.Lys426Asn; replaces lysine 426 with asparagine.
Molecular consequence: missense variant.
Genome position (GRCh38, 1-based): chr13:32,332,756, A>C. VCF-style: chr13-32332756-A-C. GRCh37 (hg19) VCF-style: chr13-32906893-A-C.
Other names: c.1278A>C, p.Lys426Asn (NM_001406719.1, NM_001406720.1, NM_001406721.1); short protein forms K426N.
Identifiers: ClinVar variation 1766986 (VCV001766986.4), dbSNP rs2548519930, ClinGen allele CA387762416.